The following is an entry in ClinVar:

NM_198253.3(TERT):c.706A>G (p.Lys236Glu)

Gene: TERT (telomerase reverse transcriptase; minus strand). Cytogenetic location: 5p15.33.
Variant type: single nucleotide variant.
Coding change: c.706A>G on transcript NM_198253.3 (MANE Select); coding-DNA position 706, A replaced by G.
Protein change: p.Lys236Glu; replaces lysine 236 with glutamic acid.
Molecular consequence: missense variant. On other transcripts: non-coding transcript variant (2).
Genome position (GRCh38, 1-based): chr5:1,294,180, T>C on the plus strand (A>G on the coding strand, the complement: TERT is on the minus strand). VCF-style: chr5-1294180-T-C. GRCh37 (hg19) VCF-style: chr5-1294295-T-C.
Other names: c.706A>G, p.Lys236Glu (NM_001193376.3); short protein forms K236E.
Identifiers: ClinVar variation 1380802 (VCV001380802.6), dbSNP rs2126688239, ClinGen allele CA359056988.
Genomic context (GRCh38, chr5:1,294,180, plus strand): 5'-AGGACCCCTGCCCAACGGGCGTCCGCTCCGGCTCAGGGGCAGCGCCACGCCTGGGCCTCT[T>C]GGGCAACGGCAGACTTCGGCTGGCACTGCCCCCGCGCCTCCTCGCACCCGGGGCTGGCAG-3'
Protein context (NP_937983.2, residues 226-246): GSASRSLPLP[Lys236Glu]RPRRGAAPEP

ClinVar aggregate classification (germline): Uncertain significance (1 of 4 stars; one submission).

Conditions:
Idiopathic Pulmonary Fibrosis. Also called: Idiopathic fibrosing alveolitis, chronic form; idiopathic fibrosing alveolitis. Identifiers: Orphanet 2032, MedGen C1800706, MeSH D054990, MONDO:0800504.
Dyskeratosis congenita, autosomal dominant 2. Identifiers: MedGen C3151443, MONDO:0013521, OMIM 613989.

Submission:

Labcorp Genetics (formerly Invitae), Labcorp
Classification: Uncertain significance for Dyskeratosis congenita, autosomal dominant 2; Idiopathic Pulmonary Fibrosis. Last evaluated: 2023-03-01. Review status: criteria provided, single submitter. Criteria: Invitae Variant Classification Sherloc (09022015). Collection method: clinical testing. Allele origin: germline.
Comment: This sequence change replaces lysine, which is basic and polar, with glutamic acid, which is acidic and polar, at codon 236 of the TERT protein (p.Lys236Glu). This variant is not present in population databases (gnomAD no frequency). In summary, the available evidence is currently insufficient to determine the role of this variant in disease. Therefore, it has been classified as a Variant of Uncertain Significance. Advanced modeling of protein sequence and biophysical properties (such as structural, functional, and spatial information, amino acid conservation, physicochemical variation, residue mobility, and thermodynamic stability) performed at Invitae indicates that this missense variant is expected to disrupt TERT protein function. ClinVar contains an entry for this variant (Variation ID: 1380802). This variant has not been reported in the literature in individuals affected with TERT-related conditions.